The following is an entry in ClinVar:

ClinVar aggregate classification (germline): Uncertain significance. Review status: criteria provided, multiple submitters, no conflicts (2 of 4 stars). 2 submissions from 2 submitters: Uncertain significance (2). Last evaluated 2025-03-18.

Conditions:
Cardiovascular phenotype. Identifiers: MedGen CN230736.

Allele frequency attached by ClinVar (database versions not stated): TOPMed below 0.00001.

Submissions (2):

GeneDx
Classification: Uncertain significance. Last evaluated: 2025-03-18. Review status: criteria provided, single submitter. Criteria: GeneDx Variant Classification Process June 2021. Collection method: clinical testing. Allele origin: germline. Affected: yes.
Comment: Not observed at significant frequency in large population cohorts (gnomAD); In silico analysis supports that this missense variant has a deleterious effect on protein structure/function; Has not been previously published as pathogenic or benign to our knowledge

Ambry Genetics
Classification: Uncertain significance for Cardiovascular phenotype. Last evaluated: 2022-07-27. Review status: criteria provided, single submitter. Criteria: Ambry Variant Classification Scheme 2023. Collection method: clinical testing. Allele origin: germline.

NM_000384.3(APOB):c.6332A>G (p.Tyr2111Cys)

Gene: APOB (apolipoprotein B; minus strand). Cytogenetic location: 2p24.1.
Variant type: single nucleotide variant.
Coding change: c.6332A>G on transcript NM_000384.3 (MANE Select); coding-DNA position 6332, A replaced by G.
Protein change: p.Tyr2111Cys; replaces tyrosine 2111 with cysteine.
Molecular consequence: missense variant.
Genome position (GRCh38, 1-based): chr2:21,010,536, T>C on the plus strand (A>G on the coding strand, the complement: APOB is on the minus strand). VCF-style: chr2-21010536-T-C. GRCh37 (hg19) VCF-style: chr2-21233408-T-C.
Other names: short protein forms Y2111C.
Identifiers: ClinVar variation 2303968 (VCV002303968.3), dbSNP rs954996104, ClinGen allele CA43505475.